The following is an entry in ClinVar:

NM_001369.3(DNAH5):c.4821G>T (p.Gln1607His)

Genes: DNAH5 (dynein axonemal heavy chain 5; minus strand), LOC126807318 (MED14-independent group 3 enhancer GRCh37_chr5:13858976-13860175; plus strand). Cytogenetic location: 5p15.2.
Variant type: single nucleotide variant.
Coding change: c.4821G>T on transcript NM_001369.3 (MANE Select); coding-DNA position 4821, G replaced by T.
Protein change: p.Gln1607His; replaces glutamine 1607 with histidine.
Molecular consequence: missense variant.
Genome position (GRCh38, 1-based): chr5:13,859,581, C>A on the plus strand (G>T on the coding strand, the complement: DNAH5 is on the minus strand). VCF-style: chr5-13859581-C-A. GRCh37 (hg19) VCF-style: chr5-13859690-C-A.
Other names: short protein forms Q1607H.
Identifiers: ClinVar variation 1561048 (VCV001561048.11), dbSNP rs773599958, ClinGen allele CA3203864.
Genomic context (GRCh38, chr5:13,859,581, plus strand): 5'-CGTCATCCAGCTCTCGATGATGTCTGTTGAGTTGGAAAGGTACTGCACCCATTTTTGAAT[C>A]TGGGCTTTGAATGGCATATTGTACCTAAAATAAGAAATAGGTTTAGGGTTTGGTTTTGTT-3'
Protein context (NP_001360.1, residues 1597-1617): SNRYNMPFKA[Gln1607His]IQKWVQYLSN

ClinVar aggregate classification (germline): Conflicting classifications of pathogenicity. Review status: criteria provided, conflicting classifications (1 of 4 stars). 3 submissions from 3 submitters: Uncertain significance (1); Likely benign (2). Last evaluated 2025-02-26.

Conditions:
Primary ciliary dyskinesia. Also called: Ciliary dyskinesia. Identifiers: Orphanet 244, MedGen C0008780, MONDO:0016575, HP:0012265.

Allele frequency attached by ClinVar (database versions not stated): TOPMed 0.00006; ExAC 0.00007; gnomAD exomes 0.00007 and 0.00012; gnomAD 0.00008 and 0.00009.
gnomAD v4.1: 191 of 1,613,958 alleles (0.012%); highest among the groups gnomAD compares: Admixed American, 0.017%; 2 homozygotes.

Submissions (3):

Labcorp Genetics (formerly Invitae), Labcorp
Classification: Likely benign for Primary ciliary dyskinesia. Last evaluated: 2025-02-26. Review status: criteria provided, single submitter. Criteria: Invitae Variant Classification Sherloc (09022015). Collection method: clinical testing. Allele origin: germline.

Ambry Genetics
Classification: Uncertain significance for Primary ciliary dyskinesia. Last evaluated: 2014-09-04. Review status: criteria provided, single submitter. Criteria: Ambry Variant Classification Scheme 2023. Collection method: clinical testing. Allele origin: germline.
Comment: The p.Q1607H variant (also known as c.4821G>T), located in coding exon 30 of the DNAH5 gene, results from a G to T substitution at nucleotide position 4821. The glutamine at codon 1607 is replaced by histidine, an amino acid with highly similar properties. This variant was not reported in population based cohorts in the following databases: Database of Single Nucleotide Polymorphisms (dbSNP), NHLBI Exome Sequencing Project (ESP), and 1000 Genomes Project. In the ESP, this variant was not observed in 6503 samples (13006 alleles) with coverage at this position. This amino acid position is highly conserved in available vertebrate species. In addition, the in silico prediction for this alteration is inconclusive. Since supporting evidence is limited at this time, the clinical significance of this variant remains unclear.

Breakthrough Genomics
Classification: Likely benign. Review status: criteria provided, single submitter. Criteria: ACMG Guidelines, 2015. Collection method: not provided. Allele origin: germline. Inheritance: Autosomal recessive inheritance. Affected: yes.